The following is an entry in ClinVar:

ClinVar aggregate classification (germline): Uncertain significance. Review status: criteria provided, multiple submitters, no conflicts (2 of 4 stars). 4 submissions from 4 submitters: Uncertain significance (4). Last evaluated 2026-05-06.

Conditions:
Inborn genetic diseases. Identifiers: MedGen C0950123, MeSH D030342.
Norman-Roberts syndrome (LIS2). Also called: Lissencephaly 2 (Norman-Roberts type). Identifiers: Orphanet 89844, MedGen C0796089, MONDO:0009760, OMIM 257320.
Familial temporal lobe epilepsy 7. Identifiers: Orphanet 101046, MedGen C4225327, MONDO:0014639, OMIM 616436.

Allele frequency attached by ClinVar (database versions not stated): TOPMed below 0.00001; gnomAD 0.00001.
gnomAD v4.1: 12 of 1,602,040 alleles (0.00075%); highest among the groups gnomAD compares: Non-Finnish European, 0.001%; no homozygotes.

Submissions (4):

Ambry Genetics
Classification: Uncertain significance for Inborn genetic diseases. Last evaluated: 2026-05-06. Review status: criteria provided, single submitter. Criteria: Ambry Variant Classification Scheme 2023. Collection method: clinical testing. Allele origin: germline.

GeneDx
Classification: Uncertain significance. Last evaluated: 2025-05-13. Review status: criteria provided, single submitter. Criteria: GeneDx Variant Classification Process June 2021. Collection method: clinical testing. Allele origin: germline. Affected: yes.
Comment: Not observed at significant frequency in large population cohorts (gnomAD); In silico analysis supports that this missense variant has a deleterious effect on protein structure/function; Has not been previously published as pathogenic or benign to our knowledge

Labcorp Genetics (formerly Invitae), Labcorp
Classification: Uncertain significance for Familial temporal lobe epilepsy 7; Norman-Roberts syndrome. Last evaluated: 2024-02-22. Review status: criteria provided, single submitter. Criteria: Invitae Variant Classification Sherloc (09022015). Collection method: clinical testing. Allele origin: germline.
Comment: This sequence change replaces glycine, which is neutral and non-polar, with glutamic acid, which is acidic and polar, at codon 482 of the RELN protein (p.Gly482Glu). This variant is present in population databases (no rsID available, gnomAD 0.0009%). This variant has not been reported in the literature in individuals affected with RELN-related conditions. ClinVar contains an entry for this variant (Variation ID: 2199821). Advanced modeling of protein sequence and biophysical properties (such as structural, functional, and spatial information, amino acid conservation, physicochemical variation, residue mobility, and thermodynamic stability) performed at Invitae indicates that this missense variant is not expected to disrupt RELN protein function with a negative predictive value of 80%. In summary, the available evidence is currently insufficient to determine the role of this variant in disease. Therefore, it has been classified as a Variant of Uncertain Significance.

Blueprint Genetics
Classification: Uncertain significance. Last evaluated: 2021-06-03. Review status: criteria provided, single submitter. Criteria: ACMG Guidelines, 2015. Collection method: clinical testing. Allele origin: germline.

NM_005045.4(RELN):c.1445G>A (p.Gly482Glu)

Gene: RELN (reelin; minus strand). Cytogenetic location: 7q22.1.
Variant type: single nucleotide variant.
Coding change: c.1445G>A on transcript NM_005045.4 (MANE Select); coding-DNA position 1445, G replaced by A.
Protein change: p.Gly482Glu; replaces glycine 482 with glutamic acid.
Molecular consequence: missense variant.
Genome position (GRCh38, 1-based): chr7:103,654,202, C>T on the plus strand (G>A on the coding strand, the complement: RELN is on the minus strand). VCF-style: chr7-103654202-C-T. GRCh37 (hg19) VCF-style: chr7-103294649-C-T.
Other names: c.1445G>A (NM_005045.3); c.1445G>A, p.Gly482Glu (NM_173054.3); short protein forms G482E.
Identifiers: ClinVar variation 2199821 (VCV002199821.7), dbSNP rs1488155446, ClinGen allele CA368767107.